The following is an entry in ClinVar:

ClinVar aggregate classification (germline): Uncertain significance (1 of 4 stars; one submission).

Submission:

Ambry Genetics
Classification: Uncertain significance. Last evaluated: 2024-03-14. Review status: criteria provided, single submitter. Criteria: Ambry Variant Classification Scheme 2023. Collection method: clinical testing. Allele origin: germline.
Comment: The p.T190I variant (also known as c.569C>T), located in coding exon 5 of the KIF1B gene, results from a C to T substitution at nucleotide position 569. The threonine at codon 190 is replaced by isoleucine, an amino acid with similar properties. This amino acid position is conserved. In addition, the in silico prediction for this alteration is inconclusive. Based on the available evidence, the clinical significance of this alteration remains unclear.

NM_001365951.3(KIF1B):c.569C>T (p.Thr190Ile)

Gene: KIF1B (kinesin family member 1B; plus strand). Cytogenetic location: 1p36.22.
Variant type: single nucleotide variant.
Coding change: c.569C>T on transcript NM_001365951.3 (MANE Select); coding-DNA position 569, C replaced by T.
Protein change: p.Thr190Ile; replaces threonine 190 with isoleucine.
Molecular consequence: missense variant.
Genome position (GRCh38, 1-based): chr1:10,267,519, C>T. VCF-style: chr1-10267519-C-T. GRCh37 (hg19) VCF-style: chr1-10327577-C-T.
Other names: c.569C>T, p.Thr190Ile (NM_001365952.1, NM_001365953.1, NM_015074.3 and 1 more transcripts); short protein forms T190I.
Identifiers: ClinVar variation 3226548 (VCV003226548.1), dbSNP rs780267092, ClinGen allele CA338329844.
Genomic context (GRCh38, chr1:10,267,519, plus strand): 5'-AACACCCACTTCTTGGACCCTATGTGGAGGATCTGTCCAAGTTGGCAGTTACTTCCTACA[C>T]AGACATTGCTGACCTCATGGATGCTGGGAACAAAGCCAGGTATGGTAGGAAATAGAGTAA-3'
Protein context (NP_001352880.1, residues 180-200): DLSKLAVTSY[Thr190Ile]DIADLMDAGN